The following is an entry in ClinVar:

ClinVar aggregate classification (germline): Uncertain significance (1 of 4 stars; one submission).

gnomAD v4.1: 3 of 1,613,988 alleles (0.00019%); highest among the groups gnomAD compares: Non-Finnish European, 0.00017%; no homozygotes.

Submission:

Labcorp Genetics (formerly Invitae), Labcorp
Classification: Uncertain significance. Last evaluated: 2025-10-01. Review status: criteria provided, single submitter. Criteria: Invitae Variant Classification Sherloc (09022015). Collection method: clinical testing. Allele origin: germline.
Comment: This sequence change replaces alanine, which is neutral and non-polar, with valine, which is neutral and non-polar, at codon 298 of the ANKZF1 protein (p.Ala298Val). This variant is not present in population databases (gnomAD no frequency). This variant has not been reported in the literature in individuals affected with ANKZF1-related conditions. An algorithm developed to predict the effect of missense changes on protein structure and function outputs the following: PolyPhen-2: "Benign". The valine amino acid residue is found in multiple mammalian species, which suggests that this missense change does not adversely affect protein function. In summary, the available evidence is currently insufficient to determine the role of this variant in disease. Therefore, it has been classified as a Variant of Uncertain Significance.

NM_018089.3(ANKZF1):c.893C>T (p.Ala298Val)

Gene: ANKZF1 (ankyrin repeat and zinc finger peptidyl tRNA hydrolase 1; plus strand). Cytogenetic location: 2q35.
Variant type: single nucleotide variant.
Coding change: c.893C>T on transcript NM_018089.3 (MANE Select); coding-DNA position 893, C replaced by T.
Protein change: p.Ala298Val; replaces alanine 298 with valine.
Molecular consequence: missense variant.
Genome position (GRCh38, 1-based): chr2:219,233,788, C>T. VCF-style: chr2-219233788-C-T. GRCh37 (hg19) VCF-style: chr2-220098510-C-T.
Other names: c.893C>T, p.Ala298Val (NM_001042410.2); c.263C>T, p.Ala88Val (NM_001282792.2); short protein forms A88V, A298V.
Identifiers: ClinVar variation 4693411 (VCV004693411.1).